The following is an entry in ClinVar:

NM_002087.4(GRN):c.388_391del (p.Gln130fs)

Gene: GRN (granulin precursor; plus strand). Cytogenetic location: 17q21.31.
Variant type: Deletion.
Coding change: c.388_391del on transcript NM_002087.4 (MANE Select); coding-DNA positions 388 to 391, 4 bases deleted (CAGT; older notation c.388_391delCAGT).
Protein change: p.Gln130fs; shifts the reading frame from glutamine 130.
Molecular consequence: frameshift variant.
Genome position (GRCh38, 1-based): chr17:44,350,266-44,350,269, CAGT deleted; deleting any 4 consecutive bases within chr17:44,350,263-44,350,269 gives the same sequence; the c. name uses the placement nearest the transcript's 3' end. VCF-style (leftmost placement, unchanged base first): chr17-44350262-TAGTC-T. GRCh37 (hg19) VCF-style: chr17-42427630-TAGTC-T.
Other names: c.388_391delCAGT (NM_002087.2, NM_002087.4); short protein forms Q130fs.
Identifiers: ClinVar variation 16011 (VCV000016011.12), dbSNP rs63749801, ClinGen allele CA225245.
Genomic context (GRCh38, chr17:44,350,262, plus strand): 5'-AGTATCCTGGGTCATCTTGTCCACAGGTAACAACTCCGTGGGTGCCATCCAGTGCCCTGA[TAGTC>T]AGTTCGAATGCCCGGACTTCTCCACGTGCTGTGTTATGGTCGATGGCTCCTGGGGGTGCT-3'

ClinVar aggregate classification (germline): Pathogenic. Review status: criteria provided, multiple submitters, no conflicts (2 of 4 stars). 9 submissions from 9 submitters: Pathogenic (7). 2 of the submissions do not count toward it. Last evaluated 2025-08-14.

Conditions:
GRN-related disorder. Also called: GRN-related disorders; GRN-related condition.
Neuronal ceroid lipofuscinosis 11. Also called: GRN-Related Neuronal Ceroid-Lipofuscinosis. Identifiers: Orphanet 314629, Orphanet 79262, MedGen C3539123, MONDO:0013866, OMIM 614706.
GRN-related frontotemporal lobar degeneration with Tdp43 inclusions (FTD2). Also called: DEMENTIA, HEREDITARY DYSPHASIC DISINHIBITION; FRONTOTEMPORAL LOBAR DEGENERATION WITH UBIQUITIN-POSITIVE INCLUSIONS; FTLD-TDP, GRN-RELATED; FRONTOTEMPORAL DEMENTIA WITH TDP43 INCLUSIONS, GRN-RELATED; GRN Frontotemporal Dementia. Identifiers: Orphanet 100070, Orphanet 282, MedGen C1843792, MONDO:0011842, OMIM 607485. Disease mechanism: loss of function.
Frontotemporal dementia (FTD1). Also called: Frontotemporal lobe dementia (FLDEM); Frontotemporal Dementia with Parkinsonism-17 (FTDP-17); FRONTOTEMPORAL DEMENTIA WITH PARKINSONISM; FRONTOTEMPORAL LOBE DEMENTIA; WILHELMSEN-LYNCH DISEASE; FRONTOTEMPORAL LOBAR DEGENERATION WITH TAU INCLUSIONS. Identifiers: Orphanet 282, MedGen C0338451, MONDO:0017276, OMIM 600274, HP:0002145.

Submissions (9):

Labcorp Genetics (formerly Invitae), Labcorp
Classification: Pathogenic for Neuronal ceroid lipofuscinosis 11; GRN-related frontotemporal lobar degeneration with Tdp43 inclusions. Last evaluated: 2025-08-14. Review status: criteria provided, single submitter. Criteria: Invitae Variant Classification Sherloc (09022015). Collection method: clinical testing. Allele origin: germline.
Comment: This sequence change creates a premature translational stop signal (p.Gln130Serfs*125) in the GRN gene. It is expected to result in an absent or disrupted protein product. Loss-of-function variants in GRN are known to be pathogenic (PMID: 16862116, 16950801, 22608501). This variant is present in population databases (rs746629204, gnomAD 0.002%). This premature translational stop signal has been observed in individual(s) with frontotemporal dementia (PMID: 16862116, 21403024, 31600775). ClinVar contains an entry for this variant (Variation ID: 16011). For these reasons, this variant has been classified as Pathogenic.

Blueprint Genetics
Classification: Pathogenic for GRN-related disorders. Last evaluated: 2024-07-17. Review status: criteria provided, single submitter. Criteria: ACMG Guidelines, 2015. Collection method: clinical testing. Allele origin: germline. Affected: yes. Observed: 4 variant alleles.

Women's Health and Genetics/Laboratory Corporation of America, LabCorp
Classification: Pathogenic for GRN-Related Disorders. Last evaluated: 2023-11-17. Review status: criteria provided, single submitter. Criteria: LabCorp Variant Classification Summary - May 2015. Collection method: clinical testing. Allele origin: germline.
Comment: Variant summary: GRN c.388_391delCAGT (p.Gln130SerfsX125) results in a premature termination codon, predicted to cause a truncation of the encoded protein or absence of the protein due to nonsense mediated decay, which are commonly known mechanisms for disease. The variant allele was found at a frequency of 4e-06 in 251478 control chromosomes. c.388_391delCAGT has been reported in the literature in individuals affected with Frontotemporal Dementia (e.g. Baker 2006). These data indicate that the variant is very likely to be associated with disease. To our knowledge, no experimental evidence demonstrating an impact on protein function has been reported. The following publication have been ascertained in the context of this evaluation (PMID: 16862116). Four submitters have cited clinical-significance assessments for this variant to ClinVar after 2014. All submitters classified the variant as pathogenic. Based on the evidence outlined above, the variant was classified as pathogenic.

GeneDx
Classification: Pathogenic. Last evaluated: 2023-04-05. Review status: criteria provided, single submitter. Criteria: GeneDx Variant Classification Process June 2021. Collection method: clinical testing. Allele origin: germline. Affected: yes.
Comment: Frameshift variant predicted to result in protein truncation or nonsense mediated decay in a gene for which loss of function is a known mechanism of disease; Not observed at significant frequency in large population cohorts (gnomAD); This variant is associated with the following publications: (PMID: 31361008, 21403024, 30279455, 28473694, 28666471, 17021754, 20045477, 21047645, 32778130, 27036121, 25662776, 20142524, 30112957, 27606344, 21482928, 16862116, 29146050, 31600775, 19158106, 27703466, 26507310, 21908872, 34274995, 21813674, 20975516, 30599136, 33427744, 35650585)

Victorian Clinical Genetics Services, Murdoch Childrens Research Institute
Classification: Pathogenic for GRN-related frontotemporal lobar degeneration with Tdp43 inclusions. Last evaluated: 2022-02-02. Review status: criteria provided, single submitter. Criteria: ACMG Guidelines, 2015. Collection method: clinical testing. Allele origin: germline. Inheritance: Autosomal dominant inheritance.
Comment: Based on the classification scheme VCGS_Germline_v1.3.4, this variant is classified as Pathogenic. Following criteria are met: 0102 - Loss of function is a known mechanism of disease in this gene and is associated with neuronal ceroid lipofuscinosis 11 (MIM#614706), primary progressive aphasia (PPA; MIM#607485) and frontotemporal lobar degeneration with ubiquitin-positive inclusions (FTD; MIM#607485). (I) 0108 - This gene is associated with both recessive and dominant disease. Autosomal recessive neuronal ceroid lipofuscinosis 11 is very rare. This condition, and autosomal dominant PPA and FTD, have been reported in individuals with missense variants and those resulting in a premature termination codons (OMIM). (I) 0112 - The condition associated with this gene has incomplete penetrance, where penetrance varies depending on age (OMIM, GeneReviews). (I) 0115 - Variants in this gene are known to have variable expressivity (OMIM, GeneReviews). (I) 0201 - Variant is predicted to cause nonsense-mediated decay (NMD) and loss of protein (premature termination codon is located at least 54 nucleotides upstream of the final exon-exon junction). (SP) 0302 - Variant is present in gnomAD (v2) <0.001 for a dominant condition (2 heterozygotes, 0 homozygotes). (SP) 0701 - Other NMD-predicted variants comparable to the one identified in this case have very strong previous evidence for pathogenicity. These variants have been reported many times as pathogenic (DECIPHER). (SP) 0801 - This variant has strong previous evidence of pathogenicity in unrelated individuals. This variant has been reported as pathogenic, and observed in multiple heterozygous individuals with non-fluent primary progressive aphasia, Pick's disease or frontotemporal lobar degeneration (ClinVar, PMID: 33427744, PMID: 30599136, PMID: 28473694). (SP) 1208 - Inheritance information for this variant is not currently available in this individual. (I) Legend: (SP) - Supporting pathogenic, (I) - Information, (SB) - Supporting benign

Human Genetics Group at Institute of Prion Diseases London, University College London
Classification: Pathogenic for Frontotemporal dementia. Last evaluated: 2017-02-01. Review status: criteria provided, single submitter. Criteria: Koriath et al. 2018. Collection method: research. Allele origin: unknown. Affected: yes. Observed: 3 variant alleles.
Comment: frameshift mutations in GRN cause haploinsufficiency and disease. Several mutations at this codon causing deleterious frameshift mutations have been reported on molgen

Confirmed by Sanger sequencing

Athena Diagnostics
Classification: Pathogenic. Last evaluated: 2016-12-07. Review status: criteria provided, single submitter. Criteria: Athena Diagnostics Criteria. Collection method: clinical testing. Allele origin: germline.

OMIM
Classification: Pathogenic for FRONTOTEMPORAL DEMENTIA 2. Last evaluated: 2006-08-24. Review status: no assertion criteria provided. Collection method: literature only. Allele origin: germline. Not counted in ClinVar's aggregate classification.

VIB  Department of Molecular Genetics, University of Antwerp
No classification provided. Review status: no classification provided. Collection method: not provided. Allele origin: not provided. Not counted in ClinVar's aggregate classification.

Literature cited by the submitters: PubMed 16862116 (cited by 4 submitters); PubMed 16950801 (cited by Labcorp Genetics (formerly Invitae), Labcorp and Athena Diagnostics); PubMed 22608501 (cited by Labcorp Genetics (formerly Invitae), Labcorp); PubMed 21403024 (cited by Labcorp Genetics (formerly Invitae), Labcorp and Athena Diagnostics); PubMed 31600775 (cited by Labcorp Genetics (formerly Invitae), Labcorp); PubMed 28473694 (cited by Victorian Clinical Genetics Services, Murdoch Childrens Research Institute); PubMed 30599136 (cited by Victorian Clinical Genetics Services, Murdoch Childrens Research Institute); PubMed 33427744 (cited by Victorian Clinical Genetics Services, Murdoch Childrens Research Institute); PubMed 22491866 (cited by Athena Diagnostics); PubMed 18234697 (cited by Athena Diagnostics); PubMed 19158106 (cited by Athena Diagnostics); PubMed 19683260 (cited by Athena Diagnostics); PubMed 20045477 (cited by Athena Diagnostics); PubMed 20142524 (cited by Athena Diagnostics).